The following is an entry in ClinVar:

NM_002103.5(GYS1):c.1834G>A (p.Ala612Thr)

Gene: GYS1 (glycogen synthase 1; minus strand). Cytogenetic location: 19q13.33.
Variant type: single nucleotide variant.
Coding change: c.1834G>A on transcript NM_002103.5 (MANE Select); coding-DNA position 1834, G replaced by A.
Protein change: p.Ala612Thr; replaces alanine 612 with threonine.
Molecular consequence: missense variant. On other transcripts: non-coding transcript variant (1).
Genome position (GRCh38, 1-based): chr19:48,969,831, C>T on the plus strand (G>A on the coding strand, the complement: GYS1 is on the minus strand). VCF-style: chr19-48969831-C-T. GRCh37 (hg19) VCF-style: chr19-49473088-C-T.
Other names: p.Ala612Thr; c.1642G>A, p.Ala548Thr (NM_001161587.2); short protein forms A548T, A612T.
Identifiers: ClinVar variation 3380628 (VCV003380628.1).

ClinVar aggregate classification (germline): Uncertain significance (1 of 4 stars; one submission).

Submission:

Mayo Clinic Laboratories, Mayo Clinic
Classification: Uncertain significance. Last evaluated: 2024-04-02. Review status: criteria provided, single submitter. Criteria: ACMG Guidelines, 2015. Collection method: clinical testing. Allele origin: germline. Observed: 2 variant alleles.
Comment: PM2